The following is an entry in ClinVar:

ClinVar aggregate classification (germline): Uncertain significance (1 of 4 stars; one submission).

Conditions:
Cardiovascular phenotype. Identifiers: MedGen CN230736.

gnomAD v4.1: 1 of 1,614,038 alleles (0.000062%); no homozygotes.

Submission:

Ambry Genetics
Classification: Uncertain significance for Cardiovascular phenotype. Last evaluated: 2025-12-11. Review status: criteria provided, single submitter. Criteria: Ambry Variant Classification Scheme 2023. Collection method: clinical testing. Allele origin: germline.
Comment: The p.D923G variant (also known as c.2768A>G), located in coding exon 25 of the ANK2 gene, results from an A to G substitution at nucleotide position 2768. The aspartic acid at codon 923 is replaced by glycine, an amino acid with similar properties. This amino acid position is conserved. In addition, the in silico prediction for this alteration is inconclusive. Based on the available evidence, the clinical significance of this variant remains unclear.

NM_001148.6(ANK2):c.2768A>G (p.Asp923Gly)

Gene: ANK2 (ankyrin 2; plus strand). Cytogenetic location: 4q26.
Variant type: single nucleotide variant.
Coding change: c.2768A>G on transcript NM_001148.6 (MANE Select); coding-DNA position 2768, A replaced by G.
Protein change: p.Asp923Gly; replaces aspartic acid 923 with glycine.
Molecular consequence: missense variant.
Genome position (GRCh38, 1-based): chr4:113,317,781, A>G. VCF-style: chr4-113317781-A-G. GRCh37 (hg19) VCF-style: chr4-114238937-A-G.
Other names: c.2702A>G, p.Asp901Gly (NM_001354256.2, NM_001354239.2, NM_001354244.2 and 3 more transcripts); c.2606A>G, p.Asp869Gly (NM_001354257.2, NM_001354253.2, NM_001354270.2 and 1 more transcripts); c.2768A>G, p.Asp923Gly (NM_001354258.2, NM_001354228.2, NM_001354232.2 and 1 more transcripts); c.2582A>G, p.Asp861Gly (NM_001354260.2, NM_001354271.2, NM_001386151.1); c.2726A>G, p.Asp909Gly (NM_001354261.2, NM_001386147.1); c.2705A>G, p.Asp902Gly (NM_001354262.2, NM_001386143.1, NM_001127493.3 and 3 more transcripts); c.2681A>G, p.Asp894Gly (NM_001354264.2, NM_001354266.2, NM_001354267.2 and 7 more transcripts); c.2765A>G, p.Asp922Gly (NM_001354265.2, NM_001354235.2, NM_001354236.2 and 1 more transcripts); and 17 more; short protein forms D132G, D889G, D890G, D927G, D795G, D828G, D869G, D904G.
Identifiers: ClinVar variation 4613581 (VCV004613581.1).